The following is an entry in ClinVar:

NM_014694.4(ADAMTSL2):c.340G>A (p.Glu114Lys)

Gene: ADAMTSL2 (ADAMTS like 2; plus strand). Cytogenetic location: 9q34.2.
Variant type: single nucleotide variant.
Coding change: c.340G>A on transcript NM_014694.4 (MANE Select); coding-DNA position 340, G replaced by A.
Protein change: p.Glu114Lys; replaces glutamic acid 114 with lysine.
Molecular consequence: missense variant.
Genome position (GRCh38, 1-based): chr9:133,539,801, G>A. VCF-style: chr9-133539801-G-A. GRCh37 (hg19) VCF-style: chr9-136404923-G-A.
Other names: c.340G>A, p.Glu114Lys (NM_001145320.2); short protein forms E114K.
Identifiers: ClinVar variation 695 (VCV000000695.8), dbSNP rs113994123, ClinGen allele CA339826.

ClinVar aggregate classification (germline): Conflicting classifications of pathogenicity. Review status: criteria provided, conflicting classifications (1 of 4 stars). 7 submissions from 7 submitters: Pathogenic (2); Likely pathogenic (1); Uncertain significance (1). 3 of the submissions do not count toward it. Last evaluated 2024-06-21.

Conditions:
Geleophysic dysplasia. Identifiers: Orphanet 2623, MedGen C3489726, MONDO:0000127.
Geleophysic dysplasia 1 (GPHYSD1). Also called: Geleophysic dwarfism. Identifiers: Orphanet 2623, MedGen C3278147, MONDO:0009269, OMIM 231050.

Allele frequency attached by ClinVar (database versions not stated): gnomAD exomes 0.00001; gnomAD 0.00002; TOPMed 0.00002.
gnomAD v4.1: 17 of 1,545,872 alleles (0.0011%); highest among the groups gnomAD compares: African/African-American, 0.0056%; no homozygotes.

Submissions (7):

Women's Health and Genetics/Laboratory Corporation of America, LabCorp
Classification: Pathogenic for Geleophysic dysplasia. Last evaluated: 2024-06-21. Review status: criteria provided, single submitter. Criteria: LabCorp Variant Classification Summary - May 2015. Collection method: clinical testing. Allele origin: germline.
Comment: Variant summary: ADAMTSL2 c.340G>A (p.Glu114Lys) results in a conservative amino acid change in the encoded protein sequence. Three of five in-silico tools predict a damaging effect of the variant on protein function. The variant allele was found at a frequency of 6.4e-06 in 155966 control chromosomes. c.340G>A has been reported in the literature in multiple individuals affected with Geleophysic Dysplasia as a homozygous, compound heterozygous, or unspecified genotype (e.g. Allali_2011, LeGoff_2008, Li_2017, Marzin_2021), including a de novo occurrence in a compound heterozygous individual (Li_2017). These data indicate that the variant is likely to be associated with disease. To our knowledge, no experimental evidence demonstrating an impact on protein function has been reported. The following publications have been ascertained in the context of this evaluation (PMID: 21415077, 18677313, 28917829, 33082559). ClinVar contains an entry for this variant (Variation ID: 695). Based on the evidence outlined above, the variant was classified as pathogenic.

GeneDx
Classification: Uncertain significance. Last evaluated: 2022-09-10. Review status: criteria provided, single submitter. Criteria: GeneDx Variant Classification Process June 2021. Collection method: clinical testing. Allele origin: germline. Affected: yes.
Comment: Not observed at significant frequency in large population cohorts (gnomAD); In silico analysis supports that this missense variant does not alter protein structure/function; This variant is associated with the following publications: (PMID: 21415077, 33082559, 30195254, 18677313, 28917829)

Institute of Medical Genetics and Applied Genomics, University Hospital Tübingen
Classification: Likely pathogenic. Last evaluated: 2020-10-23. Review status: criteria provided, single submitter. Criteria: ACMG Guidelines, 2015. Collection method: clinical testing. Allele origin: germline. Inheritance: Unknown mechanism. Affected: yes.

Kasturba Medical College, Manipal, Kasturba Medical College, Manipal, Manipal Academy of Higher Education, Manipal, India
Classification: Pathogenic for Geleophysic dysplasia 1. Review status: criteria provided, single submitter. Criteria: ACMG Guidelines, 2015. Collection method: clinical testing. Allele origin: biparental. Affected: yes.

Laboratory of Metabolic Disorders, Peking University First Hospital
Classification: Pathogenic for Geleophysic dysplasia 1. Last evaluated: 2017-06-17. Review status: no assertion criteria provided. Collection method: research. Allele origin: inherited. Affected: yes. Not counted in ClinVar's aggregate classification.

OMIM
Classification: Pathogenic for GELEOPHYSIC DYSPLASIA 1. Last evaluated: 2011-06-01. Review status: no assertion criteria provided. Collection method: literature only. Allele origin: germline. Not counted in ClinVar's aggregate classification.

GeneReviews
No classification provided. Condition: Geleophysic dysplasia 1. Review status: no classification provided. Collection method: literature only. Allele origin: unknown. Not counted in ClinVar's aggregate classification.

Literature cited by the submitters: PubMed 21415077 (cited by Women's Health and Genetics/Laboratory Corporation of America, LabCorp and OMIM); PubMed 18677313 (cited by Women's Health and Genetics/Laboratory Corporation of America, LabCorp and Laboratory of Metabolic Disorders, Peking University First Hospital); PubMed 28917829 (cited by Women's Health and Genetics/Laboratory Corporation of America, LabCorp); PubMed 33082559 (cited by Women's Health and Genetics/Laboratory Corporation of America, LabCorp); DOI 10.1038/ng.199 (cited by Kasturba Medical College, Manipal, Kasturba Medical College, Manipal, Manipal Academy of Higher Education, Manipal, India); PubMed 30195254 (cited by OMIM); PubMed 20301776 (cited by GeneReviews); NCBI Bookshelf NBK11168 (cited by GeneReviews).